The following is an entry in ClinVar:

ClinVar aggregate classification (germline): Uncertain significance (1 of 4 stars; one submission).

Conditions:
RASopathy. Also called: Noonan spectrum disorder; rasopathies. Identifiers: Orphanet 536391, MedGen C5555857, MONDO:0021060.

Submission:

Labcorp Genetics (formerly Invitae), Labcorp
Classification: Uncertain significance for RASopathy. Last evaluated: 2022-12-24. Review status: criteria provided, single submitter. Criteria: Invitae Variant Classification Sherloc (09022015). Collection method: clinical testing. Allele origin: germline.
Comment: This sequence change replaces glycine, which is neutral and non-polar, with arginine, which is basic and polar, at codon 769 of the SOS1 protein (p.Gly769Arg). This variant is not present in population databases (gnomAD no frequency). This variant has not been reported in the literature in individuals affected with SOS1-related conditions. Advanced modeling of protein sequence and biophysical properties (such as structural, functional, and spatial information, amino acid conservation, physicochemical variation, residue mobility, and thermodynamic stability) has been performed at Invitae for this missense variant, however the output from this modeling did not meet the statistical confidence thresholds required to predict the impact of this variant on SOS1 protein function. In summary, the available evidence is currently insufficient to determine the role of this variant in disease. Therefore, it has been classified as a Variant of Uncertain Significance.

NM_005633.4(SOS1):c.2305G>C (p.Gly769Arg)

Gene: SOS1 (SOS Ras/Rac guanine nucleotide exchange factor 1; minus strand). Cytogenetic location: 2p22.1.
Variant type: single nucleotide variant.
Coding change: c.2305G>C on transcript NM_005633.4 (MANE Select); coding-DNA position 2305, G replaced by C.
Protein change: p.Gly769Arg; replaces glycine 769 with arginine.
Molecular consequence: missense variant.
Genome position (GRCh38, 1-based): chr2:39,012,211, C>G on the plus strand (G>C on the coding strand, the complement: SOS1 is on the minus strand). VCF-style: chr2-39012211-C-G. GRCh37 (hg19) VCF-style: chr2-39239352-C-G.
Other names: c.2284G>C, p.Gly762Arg (NM_001382394.1); c.2305G>C, p.Gly769Arg (NM_001382395.1); short protein forms G762R, G769R.
Identifiers: ClinVar variation 2906253 (VCV002906253.3), dbSNP rs2528992510, ClinGen allele CA346364170.